The following is an entry in ClinVar:

ClinVar aggregate classification (germline): Likely benign (1 of 4 stars; one submission).

Allele frequency attached by ClinVar (database versions not stated): gnomAD exomes below 0.00001; gnomAD 0.00001.
gnomAD v4.1: 3 of 1,612,318 alleles (0.00019%); highest among the groups gnomAD compares: Non-Finnish European, 0.00025%; no homozygotes.

Submission:

CeGaT Center for Human Genetics Tuebingen
Classification: Likely benign. Last evaluated: 2022-07-01. Review status: criteria provided, single submitter. Criteria: CeGaT Center For Human Genetics Tuebingen Variant Classification Criteria Version 2. Collection method: clinical testing. Allele origin: germline. Affected: yes. Observed: 1 variant allele.
Comment: TRPM5: BP4, BP7

NM_014555.4(TRPM5):c.2994C>T (p.Tyr998=)

Gene: TRPM5 (transient receptor potential cation channel subfamily M member 5; minus strand). Cytogenetic location: 11p15.5.
Variant type: single nucleotide variant.
Coding change: c.2994C>T on transcript NM_014555.4 (MANE Select); coding-DNA position 2994, C replaced by T.
Protein change: p.Tyr998=; no amino-acid change (tyrosine 998 retained).
Molecular consequence: synonymous variant.
Genome position (GRCh38, 1-based): chr11:2,407,243, G>A on the plus strand (C>T on the coding strand, the complement: TRPM5 is on the minus strand). VCF-style: chr11-2407243-G-A. GRCh37 (hg19) VCF-style: chr11-2428473-G-A.
Identifiers: ClinVar variation 2641357 (VCV002641357.24), dbSNP rs1478463150, ClinGen allele CA472036578.
Genomic context (GRCh38, chr11:2,407,243, plus strand): 5'-GCTGAGCAGGATGAAGGGCGGGGCCAGGGCGGGGCGCTCGTGGTACTCCACAATCAGGTT[G>A]TAGCGCTGGAACTTCCAGAACATGTCTGCGTTGCCCTGCACCACCTGGAACGTGTAGCTG-3'
Protein context (NP_055370.1, residues 988-1008): NADMFWKFQR[Tyr998=]NLIVEYHERP